The following is an entry in ClinVar:

ClinVar aggregate classification (germline): Uncertain significance (1 of 4 stars; one submission).

Allele frequency attached by ClinVar (database versions not stated): gnomAD exomes 0.00001 and 0.00002; gnomAD 0.00002 and 0.00003; TOPMed 0.00002; ExAC 0.00003; ESP Exome Variant Server 0.00009.
gnomAD v4.1: 26 of 1,206,410 alleles (0.0022%); highest among the groups gnomAD compares: African/African-American, 0.007%; no homozygotes.

Submission:

Labcorp Genetics (formerly Invitae), Labcorp
Classification: Uncertain significance. Last evaluated: 2025-12-06. Review status: criteria provided, single submitter. Criteria: Invitae Variant Classification Sherloc (09022015). Collection method: clinical testing. Allele origin: germline.
Comment: This sequence change replaces arginine, which is basic and polar, with cysteine, which is neutral and slightly polar, at codon 900 of the CACNA1F protein (p.Arg900Cys). The frequency data for this variant in the population databases is considered unreliable, as metrics indicate poor data quality at this position in the gnomAD database. This missense change has been observed in individuals with clinical features of cone-rod dystrophy (internal data). ClinVar contains an entry for this variant (Variation ID: 1365249). Invitae Evidence Modeling of protein sequence and biophysical properties (such as structural, functional, and spatial information, amino acid conservation, physicochemical variation, residue mobility, and thermodynamic stability) indicates that this missense variant is expected to disrupt CACNA1F protein function with a positive predictive value of 80%. In summary, the available evidence is currently insufficient to determine the role of this variant in disease. Therefore, it has been classified as a Variant of Uncertain Significance.

NM_001256789.3(CACNA1F):c.2665C>T (p.Arg889Cys)

Gene: CACNA1F (calcium voltage-gated channel subunit alpha1 F; minus strand). Cytogenetic location: Xp11.23.
Variant type: single nucleotide variant.
Coding change: c.2665C>T on transcript NM_001256789.3 (MANE Select); coding-DNA position 2665, C replaced by T.
Protein change: p.Arg889Cys; replaces arginine 889 with cysteine.
Molecular consequence: missense variant.
Genome position (GRCh38, 1-based): chrX:49,219,329, G>A on the plus strand (C>T on the coding strand, the complement: CACNA1F is on the minus strand). VCF-style: chrX-49219329-G-A. GRCh37 (hg19) VCF-style: chrX-49075788-G-A.
Other names: c.2503C>T, p.Arg835Cys (NM_001256790.3); c.2698C>T, p.Arg900Cys (NM_005183.4); short protein forms R889C, R900C, R835C.
Identifiers: ClinVar variation 1365249 (VCV001365249.6), dbSNP rs144099880, ClinGen allele CA10410631.